The following is an entry in ClinVar:

NM_000088.4(COL1A1):c.2667+2T>C

Gene: COL1A1 (collagen type I alpha 1 chain; minus strand). Cytogenetic location: 17q21.33.
Variant type: single nucleotide variant.
Coding change: c.2667+2T>C on transcript NM_000088.4 (MANE Select); the canonical splice donor site of the intron after coding-DNA position 2667, T replaced by C.
Molecular consequence: splice donor variant.
Genome position (GRCh38, 1-based): chr17:50,189,677, A>G on the plus strand (T>C on the coding strand, the complement: COL1A1 is on the minus strand). VCF-style: chr17-50189677-A-G. GRCh37 (hg19) VCF-style: chr17-48267038-A-G.
Identifiers: ClinVar variation 4795460 (VCV004795460.1).
Genomic context (GRCh38, chr17:50,189,677, plus strand): 5'-TTCTGGCAGCCCCCACCCAGCACCCCCAACCTAGAGCAGTGGACTCTGCTGCAGAGACTT[A>G]CAGAGGGGCCAGGAGGACCGACTCGGCCAGCAGCACCAGGGAAACCAGTAGCACCCTGGA-3'

ClinVar aggregate classification (germline): Pathogenic (1 of 4 stars; one submission).

Submission:

GeneDx
Classification: Pathogenic. Last evaluated: 2025-08-12. Review status: criteria provided, single submitter. Criteria: GeneDx Variant Classification Process June 2021. Collection method: clinical testing. Allele origin: germline. Affected: yes.
Comment: Canonical splice site variant predicted to result in a null allele in a gene for which loss of function is a known mechanism of disease; Not observed at significant frequency in large population cohorts (gnomAD); This variant is associated with the following publications: (PMID: 36709916)